The following is an entry in ClinVar:

ClinVar aggregate classification (germline): Conflicting classifications of pathogenicity. Review status: criteria provided, conflicting classifications (1 of 4 stars). 3 submissions from 3 submitters: Uncertain significance (2); Benign (1). Last evaluated 2026-01-16.

Conditions:
Tuberous sclerosis syndrome (TSC). Also called: Tuberous Sclerosis Complex; Tuberous sclerosis. Identifiers: Orphanet 805, MedGen C0041341, MONDO:0001734.
Tuberous sclerosis 2 (TSC2). Identifiers: Orphanet 805, MedGen C1860707, MONDO:0013199, OMIM 613254.
Hereditary cancer-predisposing syndrome. Also called: Tumor predisposition; Hereditary neoplastic syndrome; Neoplastic Syndromes, Hereditary; Hereditary Cancer Syndrome. Identifiers: Orphanet 140162, MedGen C0027672, MeSH D009386, MONDO:0015356.

Allele frequency attached by ClinVar (database versions not stated): gnomAD exomes below 0.00001; gnomAD 0.00001.
gnomAD v4.1: 7 of 1,612,874 alleles (0.00043%); highest among the groups gnomAD compares: East Asian, 0.0022%; no homozygotes.

Submissions (3):

Labcorp Genetics (formerly Invitae), Labcorp
Classification: Benign for Tuberous sclerosis 2. Last evaluated: 2026-01-16. Review status: criteria provided, single submitter. Criteria: Invitae Variant Classification Sherloc (09022015). Collection method: clinical testing. Allele origin: germline.

Color Diagnostics, LLC DBA Color Health
Classification: Uncertain significance for Tuberous sclerosis syndrome. Last evaluated: 2025-08-20. Review status: criteria provided, single submitter. Criteria: ACMG Guidelines, 2015. Collection method: clinical testing. Allele origin: germline.
Comment: This missense variant replaces valine with methionine at codon 1703 of the TSC2 protein. Computational prediction suggests that this variant may have deleterious impact on protein structure and function. To our knowledge, functional studies have not been reported for this variant. This variant has not been reported in individuals affected with TSC2-related disorders in the literature. This variant has not been identified in the general population by the Genome Aggregation Database (gnomAD). The available evidence is insufficient to determine the role of this variant in disease conclusively. Therefore, this variant is classified as a Variant of Uncertain Significance.

Ambry Genetics
Classification: Uncertain significance for Hereditary cancer-predisposing syndrome. Last evaluated: 2024-04-14. Review status: criteria provided, single submitter. Criteria: Ambry Variant Classification Scheme 2023. Collection method: clinical testing. Allele origin: germline.
Comment: The p.V1703M variant (also known as c.5107G>A), located in coding exon 39 of the TSC2 gene, results from a G to A substitution at nucleotide position 5107. The valine at codon 1703 is replaced by methionine, an amino acid with highly similar properties. This amino acid position is well conserved in available vertebrate species. In addition, this alteration is predicted to be deleterious by in silico analysis. Since supporting evidence is limited at this time, the clinical significance of this alteration remains unclear.

NM_000548.5(TSC2):c.5107G>A (p.Val1703Met)

Gene: TSC2 (TSC complex subunit 2; plus strand). Cytogenetic location: 16p13.3.
Variant type: single nucleotide variant.
Coding change: c.5107G>A on transcript NM_000548.5 (MANE Select); coding-DNA position 5107, G replaced by A.
Protein change: p.Val1703Met; replaces valine 1703 with methionine.
Molecular consequence: missense variant.
Genome position (GRCh38, 1-based): chr16:2,088,086, G>A. VCF-style: chr16-2088086-G-A. GRCh37 (hg19) VCF-style: chr16-2138087-G-A.
Other names: c.4906G>A, p.Val1636Met (NM_001077183.3); c.5038G>A, p.Val1680Met (NM_001114382.3); c.4798G>A, p.Val1600Met (NM_001318827.2); c.4762G>A, p.Val1588Met (NM_001318829.2); c.4375G>A, p.Val1459Met (NM_001318831.2); c.4939G>A, p.Val1647Met (NM_001318832.2); c.4909G>A, p.Val1637Met (NM_001363528.2); c.4975G>A, p.Val1659Met (NM_001370404.1); and 1 more; short protein forms V1600M, V1637M, V1680M, V1459M, V1659M, V1588M, V1636M, V1647M.
Identifiers: ClinVar variation 934049 (VCV000934049.13), dbSNP rs2091092273, ClinGen allele CA394312247.